The following is an entry in ClinVar:

NM_001966.4(EHHADH):c.983C>T (p.Ser328Leu)

Gene: EHHADH (enoyl-CoA hydratase and 3-hydroxyacyl CoA dehydrogenase; minus strand). Cytogenetic location: 3q27.2.
Variant type: single nucleotide variant.
Coding change: c.983C>T on transcript NM_001966.4 (MANE Select); coding-DNA position 983, C replaced by T.
Protein change: p.Ser328Leu; replaces serine 328 with leucine.
Molecular consequence: missense variant.
Genome position (GRCh38, 1-based): chr3:185,193,415, G>A on the plus strand (C>T on the coding strand, the complement: EHHADH is on the minus strand). VCF-style: chr3-185193415-G-A. GRCh37 (hg19) VCF-style: chr3-184911203-G-A.
Other names: c.695C>T, p.Ser232Leu (NM_001166415.2); short protein forms S328L, S232L.
Identifiers: ClinVar variation 597260 (VCV000597260.12), dbSNP rs144464757, ClinGen allele CA2739066.

ClinVar aggregate classification (germline): Conflicting classifications of pathogenicity. Review status: criteria provided, conflicting classifications (1 of 4 stars). 3 submissions from 3 submitters: Uncertain significance (1); Likely benign (1). 1 of the submissions does not count toward it. Last evaluated 2019-12-31.

Conditions:
EHHADH-related disorder. Also called: EHHADH-related condition.

Allele frequency attached by ClinVar (database versions not stated): gnomAD exomes 0.00091 and 0.00150; ExAC 0.00092; gnomAD 0.00092 and 0.00095; TOPMed 0.00096; ESP Exome Variant Server 0.00185.

Submissions (3):

Labcorp Genetics (formerly Invitae), Labcorp
Classification: Likely benign. Last evaluated: 2019-12-31. Review status: criteria provided, single submitter. Criteria: Invitae Variant Classification Sherloc (09022015). Collection method: clinical testing. Allele origin: germline.

Eurofins Ntd Llc (ga)
Classification: Uncertain significance. Last evaluated: 2018-05-18. Review status: criteria provided, single submitter. Criteria: EGL ClinVar v180209 classification definitions. Collection method: clinical testing. Allele origin: germline. Observed: 1 variant allele, 1 heterozygote.

PreventionGenetics, part of Exact Sciences
Classification: Likely benign for EHHADH-related condition. Last evaluated: 2022-04-20. Review status: no assertion criteria provided. Collection method: clinical testing. Allele origin: germline. Not counted in ClinVar's aggregate classification.
Comment: This variant is classified as likely benign based on ACMG/AMP sequence variant interpretation guidelines (Richards et al. 2015 PMID: 25741868, with internal and published modifications).